The following is an entry in ClinVar:

ClinVar aggregate classification (germline): Likely benign (1 of 4 stars; one submission).

Allele frequency attached by ClinVar (database versions not stated): 1000 Genomes Project 30x 0.00359; 1000 Genomes Project 0.00399; TOPMed 0.00643; gnomAD 0.00877 and 0.00901; gnomAD exomes 0.01070.
gnomAD v4.1: 14,180 of 1,357,258 alleles (1%); highest among the groups gnomAD compares: Non-Finnish European, 1.2%; 88 homozygotes.

Submission:

GeneDx
Classification: Likely benign. Last evaluated: 2018-06-18. Review status: criteria provided, single submitter. Criteria: GeneDx Variant Classification (06012015). Collection method: clinical testing. Allele origin: germline. Affected: yes.
Comment: This variant is considered likely benign or benign based on one or more of the following criteria: it is a conservative change, it occurs at a poorly conserved position in the protein, it is predicted to be benign by multiple in silico algorithms, and/or has population frequency not consistent with disease.

NM_000051.4(ATM):c.5674+102A>G

Gene: ATM (ATM serine/threonine kinase; plus strand). Cytogenetic location: 11q22.3.
Variant type: single nucleotide variant.
Coding change: c.5674+102A>G on transcript NM_000051.4 (MANE Select); 102 bases into the intron after coding-DNA position 5674, A replaced by G.
Molecular consequence: intron variant.
Genome position (GRCh38, 1-based): chr11:108,304,954, A>G. VCF-style: chr11-108304954-A-G. GRCh37 (hg19) VCF-style: chr11-108175681-A-G.
Other names: c.5674+102A>G (NM_001351834.2).
Identifiers: ClinVar variation 675911 (VCV000675911.1), dbSNP rs4988045, ClinGen allele CA228390091.
Genomic context (GRCh38, chr11:108,304,954, plus strand): 5'-TCTAGAGAAAGATGGATTTAAGATGGAATCCCACTAAAAGCACTTTACAGGATTAAATCT[A>G]TAACCTCTAAATTTGTTTCTTCATCTATGGAATGGAGATAAAAGTTGCCAACAGTTGCAA-3'